The following is an entry in ClinVar:

NM_002691.4(POLD1):c.1297G>C (p.Asp433His)

Gene: POLD1 (DNA polymerase delta 1, catalytic subunit; plus strand). Cytogenetic location: 19q13.33.
Variant type: single nucleotide variant.
Coding change: c.1297G>C on transcript NM_002691.4 (MANE Select); coding-DNA position 1297, G replaced by C.
Protein change: p.Asp433His; replaces aspartic acid 433 with histidine.
Molecular consequence: missense variant. On other transcripts: non-coding transcript variant (1).
Genome position (GRCh38, 1-based): chr19:50,406,236, G>C. VCF-style: chr19-50406236-G-C. GRCh37 (hg19) VCF-style: chr19-50909493-G-C.
Other names: c.1297G>C, p.Asp433His (NM_001256849.1, NM_001308632.1, NM_001438210.1 and 3 more transcripts); short protein forms D433H.
Identifiers: ClinVar variation 4722303 (VCV004722303.1).

ClinVar aggregate classification (germline): Uncertain significance (1 of 4 stars; one submission).

Conditions:
POLD1-related polyposis and colorectal cancer syndrome (CRCS10). Also called: COLORECTAL CANCER, SUSCEPTIBILITY TO, ON CHROMOSOME 19q; Colorectal cancer 10; Colorectal cancer, susceptibility to, 10. Identifiers: Orphanet 220460, MedGen C2675481, MONDO:0012953, OMIM 612591.

Submission:

Labcorp Genetics (formerly Invitae), Labcorp
Classification: Uncertain significance for POLD1-related polyposis and colorectal cancer syndrome. Last evaluated: 2025-12-21. Review status: criteria provided, single submitter. Criteria: Invitae Variant Classification Sherloc (09022015). Collection method: clinical testing. Allele origin: germline.
Comment: This sequence change replaces aspartic acid, which is acidic and polar, with histidine, which is basic and polar, at codon 433 of the POLD1 protein (p.Asp433His). This variant is not present in population databases (gnomAD no frequency). This variant has not been reported in the literature in individuals affected with POLD1-related conditions. Invitae Evidence Modeling of protein sequence and biophysical properties (such as structural, functional, and spatial information, amino acid conservation, physicochemical variation, residue mobility, and thermodynamic stability) indicates that this missense variant is not expected to disrupt POLD1 protein function with a negative predictive value of 80%. Algorithms developed to predict the effect of sequence changes on RNA splicing suggest that this variant may create or strengthen a splice site. In summary, the available evidence is currently insufficient to determine the role of this variant in disease. Therefore, it has been classified as a Variant of Uncertain Significance.